The following is an entry in ClinVar:

ClinVar aggregate classification (germline): Uncertain significance (1 of 4 stars; one submission).

gnomAD v4.1: 2 of 1,614,242 alleles (0.00012%); highest among the groups gnomAD compares: Non-Finnish European, 0.00017%; no homozygotes.

Submission:

Labcorp Genetics (formerly Invitae), Labcorp
Classification: Uncertain significance. Last evaluated: 2023-11-27. Review status: criteria provided, single submitter. Criteria: Invitae Variant Classification Sherloc (09022015). Collection method: clinical testing. Allele origin: germline.
Comment: This sequence change replaces asparagine, which is neutral and polar, with lysine, which is basic and polar, at codon 458 of the ARHGAP31 protein (p.Asn458Lys). This variant is present in population databases (no rsID available, gnomAD 0.0009%). This variant has not been reported in the literature in individuals affected with ARHGAP31-related conditions. An algorithm developed to predict the effect of missense changes on protein structure and function (PolyPhen-2) suggests that this variant is likely to be tolerated. In summary, the available evidence is currently insufficient to determine the role of this variant in disease. Therefore, it has been classified as a Variant of Uncertain Significance.

NM_020754.4(ARHGAP31):c.1374C>A (p.Asn458Lys)

Gene: ARHGAP31 (Rho GTPase activating protein 31; plus strand). Cytogenetic location: 3q13.33.
Variant type: single nucleotide variant.
Coding change: c.1374C>A on transcript NM_020754.4 (MANE Select); coding-DNA position 1374, C replaced by A.
Protein change: p.Asn458Lys; replaces asparagine 458 with lysine.
Molecular consequence: missense variant.
Genome position (GRCh38, 1-based): chr3:119,402,126, C>A. VCF-style: chr3-119402126-C-A. GRCh37 (hg19) VCF-style: chr3-119120973-C-A.
Other names: short protein forms N458K.
Identifiers: ClinVar variation 2800385 (VCV002800385.3), dbSNP rs1330888590, ClinGen allele CA354038990.